The following is an entry in ClinVar:

NM_000256.3(MYBPC3):c.3668A>G (p.Glu1223Gly)

Gene: MYBPC3 (myosin binding protein C3; minus strand). Cytogenetic location: 11p11.2.
Variant type: single nucleotide variant.
Coding change: c.3668A>G on transcript NM_000256.3 (MANE Select); coding-DNA position 3668, A replaced by G.
Protein change: p.Glu1223Gly; replaces glutamic acid 1223 with glycine.
Molecular consequence: missense variant.
Genome position (GRCh38, 1-based): chr11:47,332,218, T>C on the plus strand (A>G on the coding strand, the complement: MYBPC3 is on the minus strand). VCF-style: chr11-47332218-T-C. GRCh37 (hg19) VCF-style: chr11-47353769-T-C.
Other names: c.3668A>G, p.Glu1223Gly (LRG_386t1); short protein forms E1223G.
Identifiers: ClinVar variation 626757 (VCV000626757.7), dbSNP rs372821359, ClinGen allele CA079496.

ClinVar aggregate classification (germline): Conflicting classifications of pathogenicity. Review status: criteria provided, conflicting classifications (1 of 4 stars). 3 submissions from 3 submitters: Uncertain significance (2); Likely benign (1). Last evaluated 2026-04-29.

Conditions:
Cardiovascular phenotype. Identifiers: MedGen CN230736.
Hypertrophic cardiomyopathy. Also called: HYPERTROPHIC MYOCARDIOPATHY. Identifiers: Orphanet 217569, MedGen C0007194, MeSH D002312, MONDO:0005045, HP:0001639.
Cardiomyopathy (CMYO). Also called: Cardiomyopathies. Identifiers: Orphanet 167848, MedGen C0878544, MONDO:0004994, HP:0001638. Inheritance: Various modes of inheritance.

Allele frequency attached by ClinVar (database versions not stated): gnomAD exomes below 0.00001; ExAC 0.00001; ESP Exome Variant Server 0.00017.
gnomAD v4.1: 1 of 1,613,846 alleles (0.000062%); highest among the groups gnomAD compares: African/African-American, 0.0013%; no homozygotes.

Submissions (3):

Ambry Genetics
Classification: Likely benign for Cardiovascular phenotype. Last evaluated: 2026-04-29. Review status: criteria provided, single submitter. Criteria: Ambry Variant Classification Scheme 2023. Collection method: clinical testing. Allele origin: germline.

Labcorp Genetics (formerly Invitae), Labcorp
Classification: Uncertain significance for Hypertrophic cardiomyopathy. Last evaluated: 2026-01-05. Review status: criteria provided, single submitter. Criteria: Invitae Variant Classification Sherloc (09022015). Collection method: clinical testing. Allele origin: germline.
Comment: This sequence change replaces glutamic acid, which is acidic and polar, with glycine, which is neutral and non-polar, at codon 1223 of the MYBPC3 protein (p.Glu1223Gly). This variant is present in population databases (rs372821359, gnomAD 0.007%). This variant has not been reported in the literature in individuals affected with MYBPC3-related conditions. ClinVar contains an entry for this variant (Variation ID: 626757). An algorithm developed to predict the effect of missense changes on protein structure and function outputs the following: PolyPhen-2: "Benign". The glycine amino acid residue is found in multiple mammalian species, which suggests that this missense change does not adversely affect protein function. In summary, the available evidence is currently insufficient to determine the role of this variant in disease. Therefore, it has been classified as a Variant of Uncertain Significance.

CHEO Genetics Diagnostic Laboratory, Children's Hospital of Eastern Ontario
Classification: Uncertain significance for Cardiomyopathy. Last evaluated: 2015-09-22. Review status: criteria provided, single submitter. Criteria: ACMG Guidelines, 2015. Collection method: clinical testing. Allele origin: germline. Study: Canadian Open Genetics Repository.